The following is an entry in ClinVar:

NM_000208.4(INSR):c.1195C>T (p.Arg399Ter)

Gene: INSR (insulin receptor; minus strand). Cytogenetic location: 19p13.2.
Variant type: single nucleotide variant.
Coding change: c.1195C>T on transcript NM_000208.4 (MANE Select); coding-DNA position 1195, C replaced by T.
Protein change: p.Arg399Ter; replaces arginine 399 with a stop codon.
Molecular consequence: nonsense.
Genome position (GRCh38, 1-based): chr19:7,172,363, G>A on the plus strand (C>T on the coding strand, the complement: INSR is on the minus strand). VCF-style: chr19-7172363-G-A. GRCh37 (hg19) VCF-style: chr19-7172374-G-A.
Other names: c.1195C>T, p.Arg399Ter (NM_001079817.3); short protein forms R399*.
Identifiers: ClinVar variation 14701 (VCV000014701.4), dbSNP rs121913151, ClinGen allele CA124250.

ClinVar aggregate classification (germline): Likely pathogenic. Review status: criteria provided, single submitter (1 of 4 stars). 2 submissions from 2 submitters: Likely pathogenic (1). 1 of the submissions does not count toward it. Last evaluated 2025-11-05.

Conditions:
Leprechaunism syndrome. Also called: LEPRECHAUNISM; Donohue syndrome. Identifiers: Orphanet 508, MedGen C0265344, MONDO:0009517, OMIM 246200.

Allele frequency attached by ClinVar (database versions not stated): gnomAD exomes below 0.00001 and 0.00001; TOPMed 0.00001.

Submissions (2):

GeneDx
Classification: Likely pathogenic. Last evaluated: 2025-11-05. Review status: criteria provided, single submitter. Criteria: GeneDx Variant Classification Process June 2021. Collection method: clinical testing. Allele origin: germline. Affected: yes.
Comment: Nonsense variant predicted to result in protein truncation or nonsense mediated decay in a gene for which loss of function is a known mechanism of disease; This variant is associated with the following publications: (PMID: 25525159, 18411068, 35982159, 27896077, 33057194, 1315125)

OMIM
Classification: Pathogenic for DONOHUE SYNDROME. Last evaluated: 1993-01-01. Review status: no assertion criteria provided. Collection method: literature only. Allele origin: germline. Not counted in ClinVar's aggregate classification.

Literature cited by the submitters: PubMed 27896077 (cited by OMIM); PubMed 8419945 (cited by OMIM); Norton, K. I., Glicklich, M., Kupchik, G., Gray, C. E., Ludman, M. Leprechaunism: a case report with radiographic features. Dysmorph. Clin. Genet. 4: 57-62, 1990. (cited by OMIM).